The following is an entry in ClinVar:

NM_017780.4(CHD7):c.5355G>A (p.Trp1785Ter)

Gene: CHD7 (chromodomain helicase DNA binding protein 7; plus strand). Cytogenetic location: 8q12.2.
Variant type: single nucleotide variant.
Coding change: c.5355G>A on transcript NM_017780.4 (MANE Select); coding-DNA position 5355, G replaced by A.
Protein change: p.Trp1785Ter; replaces tryptophan 1785 with a stop codon.
Molecular consequence: nonsense. On other transcripts: intron variant (1).
Genome position (GRCh38, 1-based): chr8:60,849,105, G>A. VCF-style: chr8-60849105-G-A. GRCh37 (hg19) VCF-style: chr8-61761664-G-A.
Other names: c.1717-13124G>A (NM_001316690.1); c.5355G>A (LRG_176t1); short protein forms W1785*.
Identifiers: ClinVar variation 488363 (VCV000488363.4), dbSNP rs1554603276, ClinGen allele CA371321178.
Genomic context (GRCh38, chr8:60,849,105, plus strand): 5'-TTTCAGTGAAGCCGATGTGTGGATCCCTGAACCTTTCCATGCTGAAGTTCCTGCAGATTG[G>A]TGGGATAAGGAAGCAGACAAATCCCTCTTAATTGGAGTGTTCAAACATGGTAAGTGACGT-3'

ClinVar aggregate classification (germline): Pathogenic. Review status: criteria provided, single submitter (1 of 4 stars). 3 submissions from 3 submitters: Pathogenic (1). 2 of the submissions do not count toward it. Last evaluated 2023-09-27.

Conditions:
CHARGE syndrome (CHARGE). Also called: Hittner Hirsch Kreh syndrome; CHARGE ASSOCIATION--COLOBOMA, HEART ANOMALY, CHOANAL ATRESIA, RETARDATION, GENITAL AND EAR ANOMALIES; Coloboma, heart anomaly, choanal atresia, retardation, genital and ear anomalies; CHARGE association; Hall-Hittner syndrome. Identifiers: Orphanet 138, MedGen C0265354, MONDO:0008965.

Submissions (3):

Greenwood Genetic Center Diagnostic Laboratories, Greenwood Genetic Center
Classification: Pathogenic for CHD7-related CHARGE syndrome. Last evaluated: 2023-09-27. Review status: criteria provided, single submitter. Criteria: ACMG Guidelines, 2015. Collection method: clinical testing. Allele origin: germline. Affected: yes.
Comment: PVS1, PS4_Moderate, PM2, PM6

Sbielas Lab-Department of Human Genetics University of Michigan, University of Michigan Medical School
Classification: Pathogenic for CHD7-related CHARGE syndrome. Last evaluated: 2017-10-27. Review status: no assertion criteria provided. Collection method: research. Allele origin: de novo. Affected: yes. Not counted in ClinVar's aggregate classification.

University of Washington Center for Mendelian Genomics, University of Washington
Classification: Likely pathogenic for CHARGE syndrome. Review status: no assertion criteria provided. Collection method: research. Allele origin: de novo. Affected: yes. Not counted in ClinVar's aggregate classification.

Literature cited by the submitters: PubMed 29300383 (cited by Sbielas Lab-Department of Human Genetics University of Michigan, University of Michigan Medical School and University of Washington Center for Mendelian Genomics, University of Washington).